The following is an entry in ClinVar:

ClinVar aggregate classification (germline): Uncertain significance (1 of 4 stars; one submission).

Submission:

GeneDx
Classification: Uncertain significance. Last evaluated: 2019-05-28. Review status: criteria provided, single submitter. Criteria: GeneDx Variant Classification Process June 2021. Collection method: clinical testing. Allele origin: germline. Affected: yes.
Comment: Not observed in large population cohorts (Lek et al., 2016); Frameshift variant predicted to result in protein truncation or nonsense mediated decay in a gene for which loss-of-function is not a known mechanism of disease; Has not been previously published as pathogenic or benign to our knowledge

NM_004370.6(COL12A1):c.1519_1525del (p.Ile507fs)

Gene: COL12A1 (collagen type XII alpha 1 chain; minus strand). Cytogenetic location: 6q13.
Variant type: Deletion.
Coding change: c.1519_1525del on transcript NM_004370.6 (MANE Select); coding-DNA positions 1519 to 1525, 7 bases deleted (ATAAACA; older notation c.1519_1525delATAAACA).
Protein change: p.Ile507fs; shifts the reading frame from isoleucine 507.
Molecular consequence: frameshift variant. On other transcripts: intron variant (1).
Genome position (GRCh38, 1-based): chr6:75,183,416-75,183,422, TGTTTAT deleted on the plus strand (ATAAACA on the coding strand, the reverse complement: COL12A1 is on the minus strand); deleting any 7 consecutive bases within chr6:75,183,416-75,183,424 gives the same sequence; the c. name uses the placement nearest the transcript's 3' end. VCF-style (leftmost placement, unchanged base first): chr6-75183415-GTGTTTAT-G. GRCh37 (hg19) VCF-style: chr6-75893131-GTGTTTAT-G.
Other names: c.73+19298_73+19304del (NM_080645.3); c.1519_1525delATAAACA (NM_004370.5); short protein forms I507fs.
Identifiers: ClinVar variation 452554 (VCV000452554.4), dbSNP rs1554187341, ClinGen allele CA658657602.